The following is an entry in ClinVar:

NM_005422.4(TECTA):c.6155G>A (p.Cys2052Tyr)

Genes: TBCEL-TECTA (TBCEL-TECTA readthrough; plus strand), TECTA (tectorin alpha; plus strand). Cytogenetic location: 11q23.3.
Variant type: single nucleotide variant.
Coding change: c.6155G>A on transcript NM_005422.4 (MANE Select); coding-DNA position 6155, G replaced by A.
Protein change: p.Cys2052Tyr; replaces cysteine 2052 with tyrosine.
Molecular consequence: missense variant.
Genome position (GRCh38, 1-based): chr11:121,187,987, G>A. VCF-style: chr11-121187987-G-A. GRCh37 (hg19) VCF-style: chr11-121058696-G-A.
Other names: c.7097G>A, p.Cys2366Tyr (NM_001378761.1); short protein forms C2052Y, C2366Y.
Identifiers: ClinVar variation 165373 (VCV000165373.5), dbSNP rs727503467, ClinGen allele CA273240.

ClinVar aggregate classification (germline): Likely pathogenic (1 of 4 stars; one submission).

Conditions:
Rare genetic deafness. Identifiers: Orphanet 96210, MedGen C5680250.

Allele frequency attached by ClinVar (database versions not stated): TOPMed below 0.00001; gnomAD 0.00001.
gnomAD v4.1: 1 of 1,614,026 alleles (0.000062%); highest among the groups gnomAD compares: East Asian, 0.0022%; no homozygotes.

Submission:

Laboratory for Molecular Medicine, Mass General Brigham Personalized Medicine
Classification: Likely pathogenic for Rare genetic deafness. Last evaluated: 2013-04-16. Review status: criteria provided, single submitter. Criteria: LMM Criteria. Collection method: clinical testing. Allele origin: germline. Inheritance: Autosomal dominant inheritance. Observed: 3 variant alleles.
Comment: The Cys2052Tyr variant in TECTA has not been reported in the literature nor prev iously identified by our laboratory. Computational analyses (biochemical amino a cid properties, conservation, AlignGVGD, PolyPhen2, and SIFT) suggest that the C ys2052Tyr variant may impact the protein. Additionally, this mutation exists in the ZP domain of the protein in which there is a strong association between miss ense mutations and dominant hearing loss (Naz 2003). Furthermore, this mutation was found to segregate with hearing loss in two affected family members. In summ ary, the available data suggests that this variant is likely pathogenic.